The following is an entry in ClinVar:

ClinVar aggregate classification (germline): Benign. Review status: criteria provided, multiple submitters, no conflicts (2 of 4 stars). 7 submissions from 7 submitters: Benign (6). 1 of the submissions does not count toward it. Last evaluated 2026-02-02.

Conditions:
Joubert syndrome 13 (JBTS13). Identifiers: Orphanet 475, MedGen C3280031, MONDO:0013608, OMIM 614173.
Meckel-Gruber syndrome. Also called: DYSENCEPHALIA SPLANCHNOCYSTICA; GRUBER SYNDROME; Dysencephalia splachnocystica. Identifiers: Orphanet 564, MedGen C0265215, MONDO:0018921.
Joubert syndrome. Also called: JOUBERT-BOLTSHAUSER SYNDROME; Familial aplasia of the vermis. Identifiers: Orphanet 475, MedGen C5979921, MONDO:0018772.

Allele frequency attached by ClinVar (database versions not stated): gnomAD 0.02637 and 0.02484; TOPMed 0.02836; gnomAD exomes 0.00449 and 0.00869; ESP Exome Variant Server 0.01089; ExAC 0.01196.
gnomAD v4.1: 10,435 of 1,586,524 alleles (0.66%); highest among the groups gnomAD compares: African/African-American, 8.3%; 290 homozygotes.

Submissions (12):

Labcorp Genetics (formerly Invitae), Labcorp
Classification: Benign for Joubert syndrome; Meckel-Gruber syndrome. Last evaluated: 2026-02-02. Review status: criteria provided, single submitter. Criteria: Invitae Variant Classification Sherloc (09022015). Collection method: clinical testing. Allele origin: germline.

Mayo Clinic Laboratories, Mayo Clinic
Classification: Benign. Last evaluated: 2023-04-03. Review status: criteria provided, single submitter. Criteria: ACMG Guidelines, 2015. Collection method: clinical testing. Allele origin: germline. Observed: 3 variant alleles.

Illumina Laboratory Services, Illumina
Classification: Benign for Joubert syndrome 13. Last evaluated: 2018-01-13. Review status: criteria provided, single submitter. Criteria: ICSL Variant Classification Criteria 13 December 2019. Collection method: clinical testing. Allele origin: germline.
Comment: This variant was observed in the ICSL laboratory as part of a predisposition screen in an ostensibly healthy population. It had not been previously curated by ICSL or reported in the Human Gene Mutation Database (HGMD: prior to June 1st, 2018), and was therefore a candidate for classification through an automated scoring system. Utilizing variant allele frequency, disease prevalence and penetrance estimates, and inheritance mode, an automated score was calculated to assess if this variant is too frequent to cause the disease. Based on the score and internal cut-off values, a variant classified as benign is not then subjected to further curation. The score for this variant resulted in a classification of benign for this disease.

GeneDx
Classification: Benign. Last evaluated: 2016-05-02. Review status: criteria provided, single submitter. Criteria: GeneDx Variant Classification (06012015). Collection method: clinical testing. Allele origin: germline. Affected: yes.
Comment: This variant is considered likely benign or benign based on one or more of the following criteria: it is a conservative change, it occurs at a poorly conserved position in the protein, it is predicted to be benign by multiple in silico algorithms, and/or has population frequency not consistent with disease.

Breakthrough Genomics
Classification: Benign. Review status: criteria provided, single submitter. Criteria: ACMG Guidelines, 2015. Collection method: not provided. Allele origin: germline. Inheritance: Autosomal recessive inheritance. Affected: yes.

PreventionGenetics, part of Exact Sciences
Classification: Benign. Review status: criteria provided, single submitter. Criteria: ACMG Guidelines, 2015. Collection method: clinical testing. Allele origin: germline.

Dr. Peter K. Rogan Lab, Western University
No classification provided (evidence only). Condition: Uterine corpus endometrial carcinoma. Review status: no classification provided. Collection method: in vitro. Allele origin: not applicable. Functional consequence: retained intron. Not counted in ClinVar's aggregate classification.

Dr. Peter K. Rogan Lab, Western University
No classification provided (evidence only). Condition: Uterine corpus endometrial carcinoma. Review status: no classification provided. Collection method: in vitro. Allele origin: not applicable. Functional consequence: retained intron. Not counted in ClinVar's aggregate classification.

Dr. Peter K. Rogan Lab, Western University
No classification provided (evidence only). Condition: Cervical cancer. Review status: no classification provided. Collection method: in vitro. Allele origin: not applicable. Functional consequence: retained intron. Not counted in ClinVar's aggregate classification.

Dr. Peter K. Rogan Lab, Western University
No classification provided (evidence only). Condition: Sarcoma. Review status: no classification provided. Collection method: in vitro. Allele origin: not applicable. Functional consequence: retained intron. Not counted in ClinVar's aggregate classification.

Dr. Peter K. Rogan Lab, Western University
No classification provided (evidence only). Condition: Ovarian serous cystadenocarcinoma. Review status: no classification provided. Collection method: in vitro. Allele origin: not applicable. Functional consequence: retained intron. Not counted in ClinVar's aggregate classification.

Genetic Services Laboratory, University of Chicago
Classification: Likely benign. Review status: no assertion criteria provided. Collection method: clinical testing. Allele origin: germline. Inheritance: Autosomal recessive inheritance. Not counted in ClinVar's aggregate classification.
Comment: Likely benign based on allele frequency in 1000 Genomes Project or ESP global frequency and its presence in a patient with a rare or unrelated disease phenotype. NOT Sanger confirmed

NM_001082538.3(TCTN1):c.473-10T>A

Gene: TCTN1 (tectonic family member 1; plus strand). Cytogenetic location: 12q24.11.
Variant type: single nucleotide variant.
Coding change: c.473-10T>A on transcript NM_001082538.3 (MANE Select); 10 bases into the intron before coding-DNA position 473, T replaced by A.
Molecular consequence: intron variant.
Genome position (GRCh38, 1-based): chr12:110,628,757, T>A. VCF-style: chr12-110628757-T-A. GRCh37 (hg19) VCF-style: chr12-111066562-T-A.
Other names: p.?; c.305-10T>A (NM_001173975.3, NM_001319682.3); c.293-10T>A (NM_001173976.2); c.-62-10T>A (NM_001319681.2); c.473-10T>A (NM_024549.6, NM_001082537.3, NM_001319680.2).
Identifiers: ClinVar variation 160098 (VCV000160098.24), dbSNP rs12307716, ClinGen allele CA173660.